The following is an entry in ClinVar:

ClinVar aggregate classification (germline): Uncertain significance (1 of 4 stars; one submission).

Conditions:
SETD5-related disorder. Also called: SETD5-related disorders; SETD5-related condition.

Submission:

PreventionGenetics, part of Exact Sciences
Classification: Uncertain significance for SETD5-related condition. Last evaluated: 2025-12-09. Review status: criteria provided, single submitter. Criteria: ACMG Guidelines, 2015. Collection method: clinical testing. Allele origin: germline.
Comment: The SETD5 c.2831T>C variant is predicted to result in the amino acid substitution p.Leu944Pro. To our knowledge, this variant has not been reported in the literature or in a large population database (gnomAD), indicating this variant is rare. At this time, the clinical significance of this variant is uncertain due to the absence of conclusive functional and genetic evidence.

NM_001080517.3(SETD5):c.2831T>C (p.Leu944Pro)

Gene: SETD5 (SET domain containing 5; plus strand). Cytogenetic location: 3p25.3.
Variant type: single nucleotide variant.
Coding change: c.2831T>C on transcript NM_001080517.3 (MANE Select); coding-DNA position 2831, T replaced by C.
Protein change: p.Leu944Pro; replaces leucine 944 with proline.
Molecular consequence: missense variant.
Genome position (GRCh38, 1-based): chr3:9,470,565, T>C. VCF-style: chr3-9470565-T-C. GRCh37 (hg19) VCF-style: chr3-9512249-T-C.
Other names: c.2537T>C, p.Leu846Pro (NM_001292043.2, NM_001349451.2); c.2927T>C, p.Leu976Pro (NM_001437633.1); c.2945T>C, p.Leu982Pro (NM_001437635.1); c.2888T>C, p.Leu963Pro (NM_001437643.1); c.2870T>C, p.Leu957Pro (NM_001437701.1); short protein forms L846P, L963P, L982P, L957P, L944P, L976P.
Identifiers: ClinVar variation 4996865 (VCV004996865.1).
Genomic context (GRCh38, chr3:9,470,565, plus strand): 5'-ACTCCAACACTAACAGCTGTGCTGATAGACCTTCCCTACTCAACTCAGGTCATTCTGACC[T>C]GGCTCCTCATCCCTCCCTCGGACCCACTTCTGAGACTGGTTTCCCAAGCAGAAGTGGAGA-3'
Protein context (NP_001073986.1, residues 934-954): PSLLNSGHSD[Leu944Pro]APHPSLGPTS